The following is an entry in ClinVar:

ClinVar aggregate classification (germline): Uncertain significance (1 of 4 stars; one submission).

Submission:

Dasa
Classification: Uncertain significance. Last evaluated: 2025-07-21. Review status: criteria provided, single submitter. Criteria: DASA Assertion Criteria. Collection method: clinical testing. Allele origin: germline.
Comment: NM_003362.4(UNG):c.64_74delinsACCG (p.Pro22Thrfs*3) is a frameshift variant in UNG predicted to alter the reading frame and introduce a premature termination codon. This variant is absent from population databases. The currently available literature and clinical evidence are not sufficient to establish a definitive association between this variant and the reported condition. Therefore, this variant is classified as a variant of uncertain significance.

NM_080911.3(UNG):c.133-42_133-32delinsACCG

Gene: UNG (uracil DNA glycosylase; plus strand). Cytogenetic location: 12q24.11.
Variant type: Indel.
Coding change: c.133-42_133-32delinsACCG on transcript NM_080911.3 (MANE Select); 42 bases into the intron before coding-DNA position 133 through 32 bases into the intron before coding-DNA position 133, CCGCTGCAGCT replaced by ACCG.
Molecular consequence: intron variant. On other transcripts: frameshift variant (1).
Genome position (GRCh38, 1-based): chr12:109,098,390-109,098,400, CCGCTGCAGCT replaced by ACCG. VCF-style: chr12-109098390-CCGCTGCAGCT-ACCG. GRCh37 (hg19) VCF-style: chr12-109536195-CCGCTGCAGCT-ACCG.
Other names: c.64_74delinsACCG, p.Pro22fs (NM_003362.4); short protein forms P22fs.
Identifiers: ClinVar variation 4884121 (VCV004884121.2).